The following is an entry in ClinVar:

ClinVar aggregate classification (germline): Pathogenic (1 of 4 stars; one submission).

Conditions:
Waardenburg syndrome type 4C (WS4C). Also called: WAARDENBURG SYNDROME WITH HIRSCHSPRUNG DISEASE, TYPE 4C. Identifiers: Orphanet 897, MedGen C2750452, MONDO:0013202, OMIM 613266.

Submission:

Institute of Rare Diseases, West China Hospital, Sichuan University
Classification: Pathogenic for Waardenburg syndrome type 4C. Last evaluated: 2025-01-09. Review status: criteria provided, single submitter. Criteria: ClinGen HL ACMG Specifications v1. Collection method: research. Allele origin: germline. Affected: yes.
Comment: PM1;PVS1;PP4;PM2_Supporting

NM_006941.4(SOX10):c.413_414del (p.Leu138fs)

Genes: POLR2F (RNA polymerase II, I and III subunit F; plus strand), SOX10 (SRY-box transcription factor 10; minus strand). Cytogenetic location: 22q13.1.
Variant type: Deletion.
Coding change: c.413_414del on transcript NM_006941.4 (MANE Select); coding-DNA positions 413 to 414, 2 bases deleted (TG; older notation c.413_414delTG).
Protein change: p.Leu138fs; shifts the reading frame from leucine 138.
Molecular consequence: frameshift variant. On other transcripts: intron variant (3).
Genome position (GRCh38, 1-based): chr22:37,983,371-37,983,372, CA deleted on the plus strand (TG on the coding strand, the reverse complement: SOX10 is on the minus strand). VCF-style (leftmost placement, unchanged base first): chr22-37983370-CCA-C. GRCh37 (hg19) VCF-style: chr22-38379377-CCA-C.
Other names: c.*38+11061_*38+11062del (NM_001363825.1); c.294-2783_294-2782del (NM_001301130.2); c.293+16201_293+16202del (NM_001301131.2); short protein forms L138fs.
Identifiers: ClinVar variation 3601833 (VCV003601833.1).